The following is an entry in ClinVar:

ClinVar aggregate classification (germline): Uncertain significance (1 of 4 stars; one submission).

Conditions:
Neuropathy, hereditary sensory and autonomic, type 2A (HSAN2A). Also called: MORVAN DISEASE; NEUROPATHY, CONGENITAL SENSORY; NEUROPATHY, HEREDITARY SENSORY RADICULAR, AUTOSOMAL RECESSIVE; NEUROPATHY, HEREDITARY SENSORY, TYPE IIA; NEUROPATHY, PROGRESSIVE SENSORY, OF CHILDREN; WNK1-Related HSAN2 (HSAN2A). Identifiers: Orphanet 970, MedGen C2752089, MONDO:0024309, OMIM 201300.
Pseudohypoaldosteronism type 2C (PHA2C). Also called: Pseudohypoaldosteronism Type IIC. Identifiers: Orphanet 757, Orphanet 88940, MedGen C1840391, MONDO:0013778, OMIM 614492.

Allele frequency attached by ClinVar (database versions not stated): gnomAD exomes below 0.00001 and 0.00001; ExAC 0.00002.
gnomAD v4.1: 7 of 1,611,762 alleles (0.00043%); highest among the groups gnomAD compares: Admixed American, 0.0017%; no homozygotes.

Submission:

Labcorp Genetics (formerly Invitae), Labcorp
Classification: Uncertain significance for Neuropathy, hereditary sensory and autonomic, type 2A; Pseudohypoaldosteronism type 2C. Last evaluated: 2020-02-24. Review status: criteria provided, single submitter. Criteria: Invitae Variant Classification Sherloc (09022015). Collection method: clinical testing. Allele origin: germline.
Comment: In summary, the available evidence is currently insufficient to determine the role of this variant in disease. Therefore, it has been classified as a Variant of Uncertain Significance. Algorithms developed to predict the effect of missense changes on protein structure and function are either unavailable or do not agree on the potential impact of this missense change (SIFT: "Deleterious"; PolyPhen-2: "Not Available"; Align-GVGD: "Class C55"). This variant has not been reported in the literature in individuals with WNK1-related conditions. This variant is present in population databases (rs777555339, ExAC 0.009%). This sequence change replaces glutamic acid with lysine at codon 1409 of the WNK1 protein (p.Glu1409Lys). The glutamic acid residue is highly conserved and there is a small physicochemical difference between glutamic acid and lysine.

NM_018979.4(WNK1):c.3469G>A (p.Glu1157Lys)

Gene: WNK1 (WNK lysine deficient protein kinase 1; plus strand). Cytogenetic location: 12p13.33.
Variant type: single nucleotide variant.
Coding change: c.3469G>A on transcript NM_018979.4 (MANE Select); coding-DNA position 3469, G replaced by A.
Protein change: p.Glu1157Lys; replaces glutamic acid 1157 with lysine.
Molecular consequence: missense variant.
Genome position (GRCh38, 1-based): chr12:883,039, G>A. VCF-style: chr12-883039-G-A. GRCh37 (hg19) VCF-style: chr12-992205-G-A.
Other names: c.4249G>A, p.Glu1417Lys (NM_001184985.2); c.2728G>A, p.Glu910Lys (NM_014823.3); c.4225G>A, p.Glu1409Lys (NM_213655.5); short protein forms E1157K, E1409K, E1417K, E910K.
Identifiers: ClinVar variation 1059932 (VCV001059932.9), dbSNP rs777555339, ClinGen allele CA6382767.
Genomic context (GRCh38, chr12:883,039, plus strand): 5'-TTAGAGACTCATAATAGGAAAATGGTTACATTCAAATTTGACCTAGATGGTGACAACCCC[G>A]AGGAGATAGCAACAATTATGGTACGTCTGCATTTGGAGTTCTAGGTTTTTCCTTAGTACT-3'
Protein context (NP_061852.3, residues 1147-1167): FKFDLDGDNP[Glu1157Lys]EIATIMVNND